The following is an entry in ClinVar:

ClinVar aggregate classification (germline): Pathogenic (1 of 4 stars; one submission).

Conditions:
Recessive dystrophic epidermolysis bullosa (RDEB). Also called: DYSTROPHIC EPIDERMOLYSIS BULLOSA, AUTOSOMAL RECESSIVE; EPIDERMOLYSIS BULLOSA DYSTROPHICA, HALLOPEAU-SIEMENS TYPE; Hallopeau-Siemens Disease; severe generalized recessive dystrophic epidermolysis bullosa; EPIDERMOLYSIS BULLOSA DYSTROPHICA, GENERALIZED SEVERE, AUTOSOMAL RECESSIVE; Epidermolysis Bullosa Distrophica Autosomal Recessive (RDEB). Identifiers: Orphanet 79408, Orphanet 79409, MedGen C0079474, MONDO:0009179, OMIM 226600.

Submission:

Myriad Genetics, Inc.
Classification: Pathogenic for Recessive dystrophic epidermolysis bullosa. Last evaluated: 2024-07-01. Review status: criteria provided, single submitter. Criteria: Myriad Autosomal Dominant, Autosomal Recessive and X-Linked Classification Criteria (2023). Collection method: clinical testing. Allele origin: unknown.
Comment: NM_000094.3(COL7A1):c.7725delG(L2576Cfs*55) is expected to be pathogenic in the context of dystrophic epidermolysis bullosa. This variant is predicted to lead to an abnormal or absent protein product due to the creation of a premature termination codon in COL7A1, a gene where loss-of-function variants are known to be pathogenic. Please note: this variant was assessed in the context of healthy population screening.

NM_000094.4(COL7A1):c.7725del (p.Leu2576fs)

Gene: COL7A1 (collagen type VII alpha 1 chain; minus strand). Cytogenetic location: 3p21.31.
Variant type: Deletion.
Coding change: c.7725del on transcript NM_000094.4 (MANE Select); coding-DNA position 7725, one base deleted (G; older notation c.7725delG).
Protein change: p.Leu2576fs; shifts the reading frame from leucine 2576.
Molecular consequence: frameshift variant.
Genome position (GRCh38, 1-based): chr3:48,568,817, C deleted on the plus strand (G on the coding strand, the reverse complement: COL7A1 is on the minus strand); the first of 3 consecutive C bases (chr3:48,568,817-48,568,819); deleting any one gives the same sequence. VCF-style (leftmost placement, unchanged base first): chr3-48568816-AC-A. GRCh37 (hg19) VCF-style: chr3-48606249-AC-A.
Other names: short protein forms L2576fs.
Identifiers: ClinVar variation 5013264 (VCV005013264.1).
Genomic context (GRCh38, chr3:48,568,816, plus strand): 5'-CTGGGCCTGGGCCTGGGGCAGAACTTGCCTGGGGTCCCAGGAGTCCACGCAGTCCTGGCA[AC>A]CCGGCTGAGCCCTTGTCACCAGGCTCTCCCTTGCTGCCCTGTGGGAGTGACCAGGAGAGG-3'